The following is an entry in ClinVar:

ClinVar aggregate classification (germline): Conflicting classifications of pathogenicity. Review status: criteria provided, conflicting classifications (1 of 4 stars). 3 submissions from 3 submitters: Pathogenic (1); Uncertain significance (2). Last evaluated 2024-09-25.

Conditions:
Hereditary cancer-predisposing syndrome. Also called: Hereditary Cancer Syndrome; Hereditary neoplastic syndrome; Neoplastic Syndromes, Hereditary; Tumor predisposition. Identifiers: Orphanet 140162, MedGen C0027672, MeSH D009386, MONDO:0015356.
Familial melanoma. Also called: Hereditary cutaneous melanoma; Hereditary melanoma. Identifiers: Orphanet 618, MedGen C1512419, MONDO:0018961.
CDKN2A-related disorder. Also called: CDKN2A-related condition.

gnomAD v4.1: 4 of 1,593,656 alleles (0.00025%); highest among the groups gnomAD compares: Non-Finnish European, 0.00025%; no homozygotes.

Submissions (3):

Ambry Genetics
Classification: Uncertain significance for Hereditary cancer-predisposing syndrome. Last evaluated: 2024-09-25. Review status: criteria provided, single submitter. Criteria: Ambry Variant Classification Scheme 2023. Collection method: clinical testing. Allele origin: germline.
Comment: The p.N71T variant (also known as c.212A>C), located in coding exon 2 of the CDKN2A gene, results from an A to C substitution at nucleotide position 212. The asparagine at codon 71 is replaced by threonine, an amino acid with similar properties. This alteration has been identified in individuals from Austria and the UK with personal and/or family history of melanoma (Harland M et al. Hered Cancer Clin Pract, 2014 Nov;12:20; Burgstaller-Muehlbacher S et al. Melanoma Res, 2015 Oct;25:412-20; Cust AE et al. J Med Genet, 2011 Apr;48:266-72). This amino acid position is highly conserved in available vertebrate species. In addition, the in silico prediction for this alteration is inconclusive. Based on the available evidence, the clinical significance of this variant remains unclear.

Labcorp Genetics (formerly Invitae), Labcorp
Classification: Uncertain significance for Familial melanoma. Last evaluated: 2022-03-27. Review status: criteria provided, single submitter. Criteria: Invitae Variant Classification Sherloc (09022015). Collection method: clinical testing. Allele origin: germline.
Comment: This variant disrupts the p.Asn71 amino acid residue in CDKN2A (p16INK4a). Other variant(s) that disrupt this residue have been determined to be pathogenic (PMID: 7566978, 7647780, 7987387, 10389768, 10390011, 10491434, 10498896, 10861313, 11556834, 12072543, 18363633, 19260062, 20340136, 21462282, 22841127). This suggests that this residue is clinically significant, and that variants that disrupt this residue are likely to be disease-causing. In summary, the available evidence is currently insufficient to determine the role of this variant in disease. Therefore, it has been classified as a Variant of Uncertain Significance. This variant is not present in population databases (gnomAD no frequency). Algorithms developed to predict the effect of missense changes on protein structure and function are either unavailable or do not agree on the potential impact of this missense change (SIFT: "Deleterious"; PolyPhen-2: "Probably Damaging"; Align-GVGD: "Class C0"). This variant is also known as c.255A>C (p.Gln85His) in CDKN2A (p14ARF) transcript. This missense change has been observed in individual(s) with melanoma (PMID: 21325014, 26225579). This sequence change replaces asparagine, which is neutral and polar, with threonine, which is neutral and polar, at codon 71 of the CDKN2A (p16INK4a) protein (p.Asn71Thr). The CDKN2A gene encodes two different proteins, p16INK4a and p14ARF, which are translated from alternative transcripts with different open reading frames. Both transcripts have been analyzed. We report either the variant with the higher classification or default to the CDKN2A (p16INK4a) variant. This report therefore includes the details for the CDKN2A (p16INK4a) variant.

Blueprint Genetics
Classification: Pathogenic for CDKN2A-related disorders. Last evaluated: 2021-10-15. Review status: criteria provided, single submitter. Criteria: ACMG Guidelines, 2015. Collection method: clinical testing. Allele origin: germline. Affected: yes. Observed: 1 variant allele.

Literature cited by the submitters: PubMed 21325014 (cited by Ambry Genetics and Labcorp Genetics (formerly Invitae), Labcorp); PubMed 25780468 (cited by Ambry Genetics); PubMed 26225579 (cited by Ambry Genetics and Labcorp Genetics (formerly Invitae), Labcorp); PubMed 26800492 (cited by Ambry Genetics); PubMed 7566978 (cited by Labcorp Genetics (formerly Invitae), Labcorp); PubMed 7647780 (cited by Labcorp Genetics (formerly Invitae), Labcorp); PubMed 7987387 (cited by Labcorp Genetics (formerly Invitae), Labcorp); PubMed 10389768 (cited by Labcorp Genetics (formerly Invitae), Labcorp); PubMed 10390011 (cited by Labcorp Genetics (formerly Invitae), Labcorp); PubMed 10491434 (cited by Labcorp Genetics (formerly Invitae), Labcorp); PubMed 10498896 (cited by Labcorp Genetics (formerly Invitae), Labcorp); PubMed 10861313 (cited by Labcorp Genetics (formerly Invitae), Labcorp); PubMed 11556834 (cited by Labcorp Genetics (formerly Invitae), Labcorp); PubMed 12072543 (cited by Labcorp Genetics (formerly Invitae), Labcorp); PubMed 18363633 (cited by Labcorp Genetics (formerly Invitae), Labcorp); PubMed 19260062 (cited by Labcorp Genetics (formerly Invitae), Labcorp); PubMed 20340136 (cited by Labcorp Genetics (formerly Invitae), Labcorp); PubMed 21462282 (cited by Labcorp Genetics (formerly Invitae), Labcorp); PubMed 22841127 (cited by Labcorp Genetics (formerly Invitae), Labcorp).

NM_000077.5(CDKN2A):c.212A>C (p.Asn71Thr)

Gene: CDKN2A (cyclin dependent kinase inhibitor 2A; minus strand). Cytogenetic location: 9p21.3.
Variant type: single nucleotide variant.
Coding change: c.212A>C on transcript NM_000077.5; coding-DNA position 212, A replaced by C.
Protein change: p.Asn71Thr; replaces asparagine 71 with threonine.
Molecular consequence: missense variant (on NM_000077.6). On other transcripts: 3 prime UTR variant (1).
Genome position (GRCh38, 1-based): chr9:21,971,147, T>G on the plus strand (A>C on the coding strand, the complement: CDKN2A is on the minus strand). VCF-style: chr9-21971147-T-G. GRCh37 (hg19) VCF-style: chr9-21971146-T-G.
Other names: c.212A>C, p.Asn71Thr (NM_000077.6, NM_001195132.2); c.59A>C, p.Asn20Thr (NM_001363763.2); c.255A>C, p.Gln85His (NM_058195.4); c.*135A>C (NM_058197.5); short protein forms N20T, Q85H, N71T.
Identifiers: ClinVar variation 1786361 (VCV001786361.9), dbSNP rs559848002, ClinGen allele CA190730270.
Genomic context (GRCh38, chr9:21,971,147, plus strand): 5'-AGGAAGCCCTCCCGGGCAGCGTCGTGCACGGGTCGGGTGAGAGTGGCGGGGTCGGCGCAG[T>G]TGGGCTCCGCGCCGTGGAGCAGCAGCAGCTCCGCCACTCGGGCGCTGCCCATCATCATGA-3'
Protein context (NP_000068.1, residues 61-81): ELLLLHGAEP[Asn71Thr]CADPATLTRP